The following is an entry in ClinVar:

ClinVar aggregate classification (germline): Uncertain significance. Review status: criteria provided, multiple submitters, no conflicts (2 of 4 stars). 2 submissions from 2 submitters: Uncertain significance (2). Last evaluated 2023-07-13.

Conditions:
Ullrich congenital muscular dystrophy 1A. Also called: Intermediate COL6-RD; Ullrich congenital muscular dystrophy 1. Identifiers: Orphanet 75840, MedGen C0410179, MONDO:0009681, OMIM 254090.
Bethlem myopathy 1A. Also called: Bethlem Muscular Dystrophy; MYOPATHY, BENIGN CONGENITAL, WITH CONTRACTURES; Bethlem myopathy 1. Identifiers: Orphanet 610, MedGen CN029274, MONDO:0024530, OMIM 158810.

Submissions (2):

Labcorp Genetics (formerly Invitae), Labcorp
Classification: Uncertain significance for Bethlem myopathy 1A. Last evaluated: 2023-07-13. Review status: criteria provided, single submitter. Criteria: Invitae Variant Classification Sherloc (09022015). Collection method: clinical testing. Allele origin: germline.
Comment: This variant has not been reported in the literature in individuals affected with COL6A3-related conditions. This variant is not present in population databases (gnomAD no frequency). This sequence change replaces arginine, which is basic and polar, with leucine, which is neutral and non-polar, at codon 1505 of the COL6A3 protein (p.Arg1505Leu). ClinVar contains an entry for this variant (Variation ID: 1028739). In summary, the available evidence is currently insufficient to determine the role of this variant in disease. Therefore, it has been classified as a Variant of Uncertain Significance. Advanced modeling of protein sequence and biophysical properties (such as structural, functional, and spatial information, amino acid conservation, physicochemical variation, residue mobility, and thermodynamic stability) performed at Invitae indicates that this missense variant is expected to disrupt COL6A3 protein function.

Baylor Genetics
Classification: Uncertain significance for Ullrich congenital muscular dystrophy 1A. Last evaluated: 2019-12-13. Review status: criteria provided, single submitter. Criteria: ACMG Guidelines, 2015. Collection method: clinical testing. Allele origin: unknown. Affected: yes.
Comment: This variant was determined to be of uncertain significance according to ACMG Guidelines, 2015 [PMID:25741868].

NM_004369.4(COL6A3):c.4514G>T (p.Arg1505Leu)

Gene: COL6A3 (collagen type VI alpha 3 chain; minus strand). Cytogenetic location: 2q37.3.
Variant type: single nucleotide variant.
Coding change: c.4514G>T on transcript NM_004369.4 (MANE Select); coding-DNA position 4514, G replaced by T.
Protein change: p.Arg1505Leu; replaces arginine 1505 with leucine.
Molecular consequence: missense variant.
Genome position (GRCh38, 1-based): chr2:237,368,949, C>A on the plus strand (G>T on the coding strand, the complement: COL6A3 is on the minus strand). VCF-style: chr2-237368949-C-A. GRCh37 (hg19) VCF-style: chr2-238277592-C-A.
Other names: c.2693G>T, p.Arg898Leu (NM_057166.5); c.3896G>T, p.Arg1299Leu (NM_057167.4); short protein forms R1299L, R1505L, R898L.
Identifiers: ClinVar variation 1028739 (VCV001028739.9), dbSNP rs754840728, ClinGen allele CA351193172.